The following is an entry in ClinVar:

ClinVar aggregate classification (germline): Conflicting classifications of pathogenicity. Review status: criteria provided, conflicting classifications (1 of 4 stars). 3 submissions from 3 submitters: Likely pathogenic (1); Likely benign (1). 1 of the submissions does not count toward it. Last evaluated 2025-10-13.

Conditions:
Hypogonadotropic hypogonadism 2 with or without anosmia (HH2). Also called: HYPOGONADOTROPIC HYPOGONADISM 2 WITH OR WITHOUT ANOSMIA, SUSCEPTIBILITY TO; HYPOGONADOTROPIC HYPOGONADISM 2 WITHOUT ANOSMIA, SUSCEPTIBILITY TO; HYPOGONADOTROPIC HYPOGONADISM 2 WITHOUT ANOSMIA; FGFR1-Related GnRH Deficiency (Kallmann Syndrome 2). Identifiers: Orphanet 478, MedGen C1563720, MONDO:0007844, OMIM 147950. Disease mechanism: loss of function.
Pfeiffer syndrome (ACS5). Also called: ACS V. Identifiers: Orphanet 710, MedGen C0220658, MONDO:0007043, OMIM 101600.

Allele frequency attached by ClinVar (database versions not stated): TOPMed 0.00002; gnomAD 0.00010; 1000 Genomes Project 30x 0.00016; 1000 Genomes Project 0.00020.
gnomAD v4.1: 9 of 1,614,188 alleles (0.00056%); highest among the groups gnomAD compares: African/African-American, 0.008%; no homozygotes.

Submissions (3):

Labcorp Genetics (formerly Invitae), Labcorp
Classification: Likely benign for Pfeiffer syndrome; Hypogonadotropic hypogonadism 2 with or without anosmia. Last evaluated: 2025-10-13. Review status: criteria provided, single submitter. Criteria: Invitae Variant Classification Sherloc (09022015). Collection method: clinical testing. Allele origin: germline.

Reproductive Endocrine Unit, Massachusetts General Hospital
Classification: Likely pathogenic for Hypogonadotropic hypogonadism 2 with or without anosmia. Last evaluated: 2023-05-04. Review status: criteria provided, single submitter. Criteria: ACMG Guidelines, 2015. Collection method: research. Allele origin: inherited. Affected: yes. Observed: 1 variant allele.
Comment: The variant has been classified as LP3 based on the variant meeting the following ACMG Criteria: PS3,PP2,PP4.

OMIM
Classification: risk factor for HYPOGONADOTROPIC HYPOGONADISM 2 WITHOUT ANOSMIA, SUSCEPTIBILITY TO. Last evaluated: 2007-02-01. Review status: no assertion criteria provided. Collection method: literature only. Allele origin: germline. Not counted in ClinVar's aggregate classification.

Literature cited by the submitters: PubMed 10690855 (cited by OMIM); PubMed 17235395 (cited by OMIM).

NM_023110.3(FGFR1):c.1409G>T (p.Arg470Leu)

Gene: FGFR1 (fibroblast growth factor receptor 1; minus strand). Cytogenetic location: 8p11.23.
Variant type: single nucleotide variant.
Coding change: c.1409G>T on transcript NM_023110.3 (MANE Select); coding-DNA position 1409, G replaced by T.
Protein change: p.Arg470Leu; replaces arginine 470 with leucine.
Molecular consequence: missense variant.
Genome position (GRCh38, 1-based): chr8:38,418,249, C>A on the plus strand (G>T on the coding strand, the complement: FGFR1 is on the minus strand). VCF-style: chr8-38418249-C-A. GRCh37 (hg19) VCF-style: chr8-38275767-C-A.
Other names: c.1403G>T, p.Arg468Leu (NM_001174063.2, NM_001174065.2, NM_001354367.2 and 1 more transcripts); c.1379G>T, p.Arg460Leu (NM_001174064.2); c.1142G>T, p.Arg381Leu (NM_001174066.2, NM_023105.3); c.1502G>T, p.Arg501Leu (NM_001174067.2); c.1130G>T, p.Arg377Leu (NM_001354368.2); c.1397G>T, p.Arg466Leu (NM_001354369.2); c.1136G>T, p.Arg379Leu (NM_001354370.2, NM_023106.3); c.1409G>T (NM_023110.2); short protein forms R470L, R377L, R381L, R460L, R501L, R379L, R468L, R466L.
Identifiers: ClinVar variation 16294 (VCV000016294.7), dbSNP rs121909637, ClinGen allele CA260621.
Genomic context (GRCh38, chr8:38,418,249, plus strand): 5'-GGAATGCCTTCAAAAAGTTGGGAGTCAAAGTATTATTACCTGTCCCGAGGCAGCTCCCAG[C>A]GAGGGTCTTCGGGAAGCTCATACTCAGAGACCCCTGCTAGCATGGGAGTCCCACTGGAGG-3'
Protein context (NP_075598.2, residues 460-480): VSEYELPEDP[Arg470Leu]WELPRDRLVL